The following is an entry in ClinVar:

ClinVar aggregate classification (germline): Uncertain significance (1 of 4 stars; one submission).

Submission:

Labcorp Genetics (formerly Invitae), Labcorp
Classification: Uncertain significance. Last evaluated: 2023-11-27. Review status: criteria provided, single submitter. Criteria: Invitae Variant Classification Sherloc (09022015). Collection method: clinical testing. Allele origin: germline.
Comment: This sequence change replaces leucine, which is neutral and non-polar, with valine, which is neutral and non-polar, at codon 724 of the LAMA1 protein (p.Leu724Val). This variant is not present in population databases (gnomAD no frequency). This variant has not been reported in the literature in individuals affected with LAMA1-related conditions. ClinVar contains an entry for this variant (Variation ID: 2127466). An algorithm developed to predict the effect of missense changes on protein structure and function (PolyPhen-2) suggests that this variant is likely to be disruptive. In summary, the available evidence is currently insufficient to determine the role of this variant in disease. Therefore, it has been classified as a Variant of Uncertain Significance.

NM_005559.4(LAMA1):c.2170C>G (p.Leu724Val)

Gene: LAMA1 (laminin subunit alpha 1; minus strand). Cytogenetic location: 18p11.31.
Variant type: single nucleotide variant.
Coding change: c.2170C>G on transcript NM_005559.4 (MANE Select); coding-DNA position 2170, C replaced by G.
Protein change: p.Leu724Val; replaces leucine 724 with valine.
Molecular consequence: missense variant.
Genome position (GRCh38, 1-based): chr18:7,032,170, G>C on the plus strand (C>G on the coding strand, the complement: LAMA1 is on the minus strand). VCF-style: chr18-7032170-G-C. GRCh37 (hg19) VCF-style: chr18-7032169-G-C.
Other names: short protein forms L724V.
Identifiers: ClinVar variation 2127466 (VCV002127466.4), dbSNP rs2057972933, ClinGen allele CA401829082.